The following is an entry in ClinVar:

ClinVar aggregate classification (germline): Uncertain significance (1 of 4 stars; one submission).

Conditions:
Neutropenia, severe congenital, 2, autosomal dominant. Identifiers: Orphanet 486, MedGen C2751288, MONDO:0013139, OMIM 613107.

Submission:

Victorian Clinical Genetics Services, Murdoch Childrens Research Institute
Classification: Uncertain significance for Neutropenia, severe congenital, 2, autosomal dominant. Last evaluated: 2023-07-17. Review status: criteria provided, single submitter. Criteria: ACMG Guidelines, 2015. Collection method: clinical testing. Allele origin: germline. Inheritance: Autosomal dominant inheritance.
Comment: Based on the classification scheme VCGS_Germline_v1.3.4, this variant is classified as VUS-3B. Following criteria are met: 0104 - Dominant negative is a known mechanism of disease in this gene and is associated with neutropenia, severe congenital 2, autosomal dominant (MIM#613107). Two missense variants observed in affected individuals have been shown to act in a dominant negative manner when expressed competitively with wild type protein (PMID: 12778173). (I) 0107 - This gene is associated with autosomal dominant disease. (I) 0201 - Variant is predicted to cause nonsense-mediated decay (NMD) and loss of protein (premature termination codon is located at least 54 nucleotides upstream of the final exon-exon junction). (SP) 0251 - This variant is heterozygous. (I) 0301 - Variant is absent from gnomAD (both v2 and v3). (SP) 0710 - Other NMD predicted variants comparable to the one identified in this case have inconclusive previous evidence for pathogenicity. Two NMD predicted frameshift variants have been classified as variants of uncertain significance by clinical laboratories in ClinVar. (I) 0807 - This variant has no previous evidence of pathogenicity. (I) 0905 - No published segregation evidence has been identified for this variant. (I) 1007 - No published functional evidence has been identified for this variant. (I) Legend: (SP) - Supporting pathogenic, (I) - Information, (SB) - Supporting benign

Literature cited by the submitters: PubMed 12778173.

NM_005263.5(GFI1):c.765C>A (p.Tyr255Ter)

Gene: GFI1 (growth factor independent 1 transcriptional repressor; minus strand). Cytogenetic location: 1p22.1.
Variant type: single nucleotide variant.
Coding change: c.765C>A on transcript NM_005263.5 (MANE Select); coding-DNA position 765, C replaced by A.
Protein change: p.Tyr255Ter; replaces tyrosine 255 with a stop codon.
Molecular consequence: nonsense.
Genome position (GRCh38, 1-based): chr1:92,480,622, G>T on the plus strand (C>A on the coding strand, the complement: GFI1 is on the minus strand). VCF-style: chr1-92480622-G-T. GRCh37 (hg19) VCF-style: chr1-92946179-G-T.
Other names: c.765C>A, p.Tyr255Ter (NM_001127215.3, NM_001127216.3); short protein forms Y255*.
Identifiers: ClinVar variation 3254777 (VCV003254777.1), dbSNP rs2524723927.